The following is an entry in ClinVar:

NM_015450.3(POT1):c.949+5G>A

Gene: POT1 (protection of telomeres 1; minus strand). Cytogenetic location: 7q31.33.
Variant type: single nucleotide variant.
Coding change: c.949+5G>A on transcript NM_015450.3 (MANE Select); 5 bases into the intron after coding-DNA position 949, G replaced by A.
Molecular consequence: intron variant.
Genome position (GRCh38, 1-based): chr7:124,851,867, C>T on the plus strand (G>A on the coding strand, the complement: POT1 is on the minus strand). VCF-style: chr7-124851867-C-T. GRCh37 (hg19) VCF-style: chr7-124491921-C-T.
Other names: c.556+5G>A (NM_001042594.2).
Identifiers: ClinVar variation 934050 (VCV000934050.9), dbSNP rs1795315062, ClinGen allele CA1139660247.

ClinVar aggregate classification (germline): Uncertain significance. Review status: criteria provided, multiple submitters, no conflicts (2 of 4 stars). 2 submissions from 2 submitters: Uncertain significance (2). Last evaluated 2023-12-26.

Conditions:
Tumor predisposition syndrome 3 (TPDS3). Also called: Glioma susceptibility 9; LONG TELOMERE SYNDROME, POT1-RELATED; POT1 Tumor Predisposition; Melanoma, cutaneous malignant, susceptibility to, 10. Identifiers: Orphanet 618, MedGen C4014476, MONDO:0014368, OMIM 615848.
Hereditary cancer-predisposing syndrome. Also called: Neoplastic Syndromes, Hereditary; Tumor predisposition; Hereditary Cancer Syndrome; Hereditary neoplastic syndrome. Identifiers: Orphanet 140162, MedGen C0027672, MeSH D009386, MONDO:0015356.

Submissions (2):

Labcorp Genetics (formerly Invitae), Labcorp
Classification: Uncertain significance for Tumor predisposition syndrome 3. Last evaluated: 2023-12-26. Review status: criteria provided, single submitter. Criteria: Invitae Variant Classification Sherloc (09022015). Collection method: clinical testing. Allele origin: germline.
Comment: This sequence change falls in intron 11 of the POT1 gene. It does not directly change the encoded amino acid sequence of the POT1 protein. It affects a nucleotide within the consensus splice site. This variant is not present in population databases (gnomAD no frequency). This variant has not been reported in the literature in individuals affected with POT1-related conditions. ClinVar contains an entry for this variant (Variation ID: 934050). Variants that disrupt the consensus splice site are a relatively common cause of aberrant splicing (PMID: 17576681, 9536098). Algorithms developed to predict the effect of sequence changes on RNA splicing suggest that this variant may disrupt the consensus splice site. In summary, the available evidence is currently insufficient to determine the role of this variant in disease. Therefore, it has been classified as a Variant of Uncertain Significance.

Ambry Genetics
Classification: Uncertain significance for Hereditary cancer-predisposing syndrome. Last evaluated: 2023-11-21. Review status: criteria provided, single submitter. Criteria: Ambry Variant Classification Scheme 2023. Collection method: clinical testing. Allele origin: germline.
Comment: The c.949+5G>A intronic variant results from a G to A substitution 5 nucleotides after coding exon 7 in the POT1 gene. This nucleotide position is highly conserved in available vertebrate species. In silico splice site analysis predicts that this alteration may weaken the native splice donor site however, direct evidence is insufficient at this time (Ambry internal data). Since supporting evidence is limited at this time, the clinical significance of this alteration remains unclear.

Literature cited by the submitters: PubMed 17576681 (cited by Labcorp Genetics (formerly Invitae), Labcorp); PubMed 9536098 (cited by Labcorp Genetics (formerly Invitae), Labcorp).